The following is an entry in ClinVar:

NM_001130698.2(TRPC3):c.2433A>G (p.Ile811Met)

Gene: TRPC3 (transient receptor potential cation channel subfamily C member 3; minus strand). Cytogenetic location: 4q27.
Variant type: single nucleotide variant.
Coding change: c.2433A>G on transcript NM_001130698.2 (MANE Select); coding-DNA position 2433, A replaced by G.
Protein change: p.Ile811Met; replaces isoleucine 811 with methionine.
Molecular consequence: missense variant.
Genome position (GRCh38, 1-based): chr4:121,902,882, T>C on the plus strand (A>G on the coding strand, the complement: TRPC3 is on the minus strand). VCF-style: chr4-121902882-T-C. GRCh37 (hg19) VCF-style: chr4-122824037-T-C.
Other names: c.2433A>G, p.Ile811Met (NM_001366479.2); c.2214A>G, p.Ile738Met (NM_003305.2); short protein forms I738M, I811M.
Identifiers: ClinVar variation 3614741 (VCV003614741.2).

ClinVar aggregate classification (germline): Uncertain significance (1 of 4 stars; one submission).

gnomAD v4.1: 6 of 1,612,582 alleles (0.00037%); highest among the groups gnomAD compares: Admixed American, 0.0067%; no homozygotes.

Submission:

Labcorp Genetics (formerly Invitae), Labcorp
Classification: Uncertain significance. Last evaluated: 2025-02-10. Review status: criteria provided, single submitter. Criteria: Invitae Variant Classification Sherloc (09022015). Collection method: clinical testing. Allele origin: germline.
Comment: This sequence change replaces isoleucine, which is neutral and non-polar, with methionine, which is neutral and non-polar, at codon 811 of the TRPC3 protein (p.Ile811Met). This variant is present in population databases (no rsID available, gnomAD 0.006%). This variant has not been reported in the literature in individuals affected with TRPC3-related conditions. An algorithm developed to predict the effect of missense changes on protein structure and function (PolyPhen-2) suggests that this variant is likely to be tolerated. In summary, the available evidence is currently insufficient to determine the role of this variant in disease. Therefore, it has been classified as a Variant of Uncertain Significance.